The following is an entry in ClinVar:

NM_032634.4(PIGO):c.900G>A (p.Leu300=)

Gene: PIGO (phosphatidylinositol glycan anchor biosynthesis class O; minus strand). Cytogenetic location: 9p13.3.
Variant type: single nucleotide variant.
Coding change: c.900G>A on transcript NM_032634.4 (MANE Select); coding-DNA position 900, G replaced by A.
Protein change: p.Leu300=; no amino-acid change (leucine 300 retained).
Molecular consequence: synonymous variant.
Genome position (GRCh38, 1-based): chr9:35,093,460, C>T on the plus strand (G>A on the coding strand, the complement: PIGO is on the minus strand). VCF-style: chr9-35093460-C-T. GRCh37 (hg19) VCF-style: chr9-35093457-C-T.
Other names: c.900G>A, p.Leu300= (NM_001201484.2, NM_152850.4).
Identifiers: ClinVar variation 384957 (VCV000384957.12), dbSNP rs575290480, ClinGen allele CA5040800.

ClinVar aggregate classification (germline): Likely benign. Review status: criteria provided, multiple submitters, no conflicts (2 of 4 stars). 2 submissions from 2 submitters: Likely benign (2). Last evaluated 2025-07-06.

Conditions:
Hyperphosphatasia with impaired intellectual development syndrome 2. Also called: GLYCOSYLPHOSPHATIDYLINOSITOL BIOSYNTHESIS DEFECT 6; Hyperphosphatasia with intellectual disability syndrome 2. Identifiers: Orphanet 247262, MedGen C3553637, MONDO:0013882, OMIM 614749.

Allele frequency attached by ClinVar (database versions not stated): gnomAD exomes 0.00001 and 0.00004; ExAC 0.00003; gnomAD 0.00004 and 0.00005; 1000 Genomes Project 0.00020; TOPMed 0.00004; 1000 Genomes Project 30x 0.00016.
gnomAD v4.1: 28 of 1,614,152 alleles (0.0017%); highest among the groups gnomAD compares: East Asian, 0.038%; no homozygotes.

Submissions (2):

Labcorp Genetics (formerly Invitae), Labcorp
Classification: Likely benign for Hyperphosphatasia with impaired intellectual development syndrome 2. Last evaluated: 2025-07-06. Review status: criteria provided, single submitter. Criteria: Invitae Variant Classification Sherloc (09022015). Collection method: clinical testing. Allele origin: germline.

GeneDx
Classification: Likely benign. Last evaluated: 2016-03-31. Review status: criteria provided, single submitter. Criteria: GeneDx Variant Classification (06012015). Collection method: clinical testing. Allele origin: germline. Affected: yes.
Comment: This variant is considered likely benign or benign based on one or more of the following criteria: it is a conservative change, it occurs at a poorly conserved position in the protein, it is predicted to be benign by multiple in silico algorithms, and/or has population frequency not consistent with disease.